The following is an entry in ClinVar:

NM_003640.5(ELP1):c.2014+6T>G

Gene: ELP1 (elongator acetyltransferase complex subunit 1; minus strand). Cytogenetic location: 9q31.3.
Variant type: single nucleotide variant.
Coding change: c.2014+6T>G on transcript NM_003640.5 (MANE Select); 6 bases into the intron after coding-DNA position 2014, T replaced by G.
Molecular consequence: intron variant.
Genome position (GRCh38, 1-based): chr9:108,901,419, A>C on the plus strand (T>G on the coding strand, the complement: ELP1 is on the minus strand). VCF-style: chr9-108901419-A-C. GRCh37 (hg19) VCF-style: chr9-111663699-A-C.
Other names: c.967+6T>G (NM_001330749.2); c.1672+6T>G (NM_001318360.2).
Identifiers: ClinVar variation 1945799 (VCV001945799.5), dbSNP rs2537901842, ClinGen allele CA2580079348.

ClinVar aggregate classification (germline): Uncertain significance (1 of 4 stars; one submission).

Submission:

Labcorp Genetics (formerly Invitae), Labcorp
Classification: Uncertain significance. Last evaluated: 2022-10-18. Review status: criteria provided, single submitter. Criteria: Invitae Variant Classification Sherloc (09022015). Collection method: clinical testing. Allele origin: germline.
Comment: In summary, the available evidence is currently insufficient to determine the role of this variant in disease. Therefore, it has been classified as a Variant of Uncertain Significance. Variants that disrupt the consensus splice site are a relatively common cause of aberrant splicing (PMID: 17576681, 9536098). Algorithms developed to predict the effect of sequence changes on RNA splicing suggest that this variant may disrupt the consensus splice site. This variant has not been reported in the literature in individuals affected with ELP1-related conditions. This variant is not present in population databases (gnomAD no frequency). This sequence change falls in intron 18 of the ELP1 gene. It does not directly change the encoded amino acid sequence of the ELP1 protein. It affects a nucleotide within the consensus splice site.

Literature cited by the submitters: PubMed 17576681; PubMed 9536098.